The following is an entry in ClinVar:

ClinVar aggregate classification (germline): Uncertain significance (1 of 4 stars; one submission).

Conditions:
Pheochromocytoma. Also called: MAX-Related Hereditary Paraganglioma-Pheochromocytoma Syndrome. Identifiers: Orphanet 29072, MedGen C0031511, MONDO:0008233, OMIM 171300, HP:0002666.
Gastrointestinal stromal tumor. Also called: Gastrointestinal stromal tumor, somatic; Gastrointestinal stroma tumor. Identifiers: Orphanet 44890, MedGen C0238198, MeSH D046152, MONDO:0011719, OMIM 606764, HP:0100723.
Pheochromocytoma/paraganglioma syndrome 4. Also called: CAROTID BODY TUMORS AND MULTIPLE EXTRAADRENAL PHEOCHROMOCYTOMAS; SDHB-Related Hereditary Paraganglioma-Pheochromocytoma Syndrome (Paragangliomas 4); Paragangliomas 4; SDHB-Related Hereditary Paraganglioma-Pheochromocytoma Syndrome; PARAGANGLIOMA, FAMILIAL MALIGNANT; PARAGANGLIOMAS, HEREDITARY EXTRAADRENAL. Identifiers: Orphanet 29072, MedGen C1861848, MONDO:0007273, OMIM 115310.

Allele frequency attached by ClinVar (database versions not stated): gnomAD exomes below 0.00001.
gnomAD v4.1: 2 of 1,613,974 alleles (0.00012%); highest among the groups gnomAD compares: Admixed American, 0.0017%; no homozygotes.

Submission:

Labcorp Genetics (formerly Invitae), Labcorp
Classification: Uncertain significance for Gastrointestinal stromal tumor; Pheochromocytoma/paraganglioma syndrome 4; Pheochromocytoma. Last evaluated: 2025-06-03. Review status: criteria provided, single submitter. Criteria: Invitae Variant Classification Sherloc (09022015). Collection method: clinical testing. Allele origin: germline.
Comment: This sequence change replaces threonine, which is neutral and polar, with isoleucine, which is neutral and non-polar, at codon 227 of the SDHB protein (p.Thr227Ile). This variant is present in population databases (no rsID available, gnomAD 0.003%). This variant has not been reported in the literature in individuals affected with SDHB-related conditions. ClinVar contains an entry for this variant (Variation ID: 1061138). Invitae Evidence Modeling of protein sequence and biophysical properties (such as structural, functional, and spatial information, amino acid conservation, physicochemical variation, residue mobility, and thermodynamic stability) indicates that this missense variant is not expected to disrupt SDHB protein function with a negative predictive value of 80%. In summary, the available evidence is currently insufficient to determine the role of this variant in disease. Therefore, it has been classified as a Variant of Uncertain Significance.

NM_003000.3(SDHB):c.680C>T (p.Thr227Ile)

Gene: SDHB (succinate dehydrogenase complex iron sulfur subunit B; minus strand). Cytogenetic location: 1p36.13.
Variant type: single nucleotide variant.
Coding change: c.680C>T on transcript NM_003000.3 (MANE Select); coding-DNA position 680, C replaced by T.
Protein change: p.Thr227Ile; replaces threonine 227 with isoleucine.
Molecular consequence: missense variant.
Genome position (GRCh38, 1-based): chr1:17,022,693, G>A on the plus strand (C>T on the coding strand, the complement: SDHB is on the minus strand). VCF-style: chr1-17022693-G-A. GRCh37 (hg19) VCF-style: chr1-17349188-G-A.
Other names: short protein forms T227I.
Identifiers: ClinVar variation 1061138 (VCV001061138.5), dbSNP rs1486615365, ClinGen allele CA338270374.
Genomic context (GRCh38, chr1:17,022,693, plus strand): 5'-ATGATGGTGTGGCAGCGGTATAGAGAGAATGGGTCCTGCAGCTTGGCCAGGCGCTCCTCT[G>A]TGAAGTCATCTCTGGAGTCAATCATCCAGCGATAGGCCTGGAAAACCAGGGATGATTAGC-3'
Protein context (NP_002991.2, residues 217-237): RWMIDSRDDF[Thr227Ile]EERLAKLQDP